The following is an entry in ClinVar:

ClinVar aggregate classification (germline): Uncertain significance (1 of 4 stars; one submission).

Conditions:
COG7 congenital disorder of glycosylation (CDG2E). Also called: CONGENITAL DISORDER OF GLYCOSYLATION, TYPE IIe; CDG IIe. Identifiers: Orphanet 79333, MedGen C2931010, MONDO:0012118, OMIM 608779.

Allele frequency attached by ClinVar (database versions not stated): ExAC 0.00001; gnomAD exomes 0.00001; gnomAD 0.00003; TOPMed 0.00003; ESP Exome Variant Server 0.00008.
gnomAD v4.1: 23 of 1,613,900 alleles (0.0014%); highest among the groups gnomAD compares: African/African-American, 0.0053%; no homozygotes.

Submission:

Labcorp Genetics (formerly Invitae), Labcorp
Classification: Uncertain significance for COG7 congenital disorder of glycosylation. Last evaluated: 2022-05-25. Review status: criteria provided, single submitter. Criteria: Invitae Variant Classification Sherloc (09022015). Collection method: clinical testing. Allele origin: germline.
Comment: This sequence change replaces arginine, which is basic and polar, with glutamine, which is neutral and polar, at codon 248 of the COG7 protein (p.Arg248Gln). This variant is present in population databases (rs376638075, gnomAD 0.007%). This variant has not been reported in the literature in individuals affected with COG7-related conditions. Algorithms developed to predict the effect of missense changes on protein structure and function output the following: SIFT: "Tolerated"; PolyPhen-2: "Benign"; Align-GVGD: "Class C0". The glutamine amino acid residue is found in multiple mammalian species, which suggests that this missense change does not adversely affect protein function. In summary, the available evidence is currently insufficient to determine the role of this variant in disease. Therefore, it has been classified as a Variant of Uncertain Significance.

NM_153603.4(COG7):c.743G>A (p.Arg248Gln)

Gene: COG7 (component of oligomeric golgi complex 7; minus strand). Cytogenetic location: 16p12.2.
Variant type: single nucleotide variant.
Coding change: c.743G>A on transcript NM_153603.4 (MANE Select); coding-DNA position 743, G replaced by A.
Protein change: p.Arg248Gln; replaces arginine 248 with glutamine.
Molecular consequence: missense variant.
Genome position (GRCh38, 1-based): chr16:23,433,612, C>T on the plus strand (G>A on the coding strand, the complement: COG7 is on the minus strand). VCF-style: chr16-23433612-C-T. GRCh37 (hg19) VCF-style: chr16-23444933-C-T.
Other names: short protein forms R248Q.
Identifiers: ClinVar variation 1984623 (VCV001984623.1), dbSNP rs376638075, ClinGen allele CA7961200.
Genomic context (GRCh38, chr16:23,433,612, plus strand): 5'-GCCCACTGGATTTGTGTGTGCCAAGCACCAAGCAAGGCATCATAGAGTCCGGTAAGCTGC[C>T]GGTCCAGGGATAGGTCACTTTGACACAGCTCTTGCCAGGCTGCTAAAAGCTGCACCTGCA-3'
Protein context (NP_705831.1, residues 238-258): ELCQSDLSLD[Arg248Gln]QLTGLYDALL